The following is an entry in ClinVar:

NM_001366110.1(PAX4):c.13+4A>G

Gene: PAX4 (paired box 4; minus strand). Cytogenetic location: 7q32.1.
Variant type: single nucleotide variant.
Coding change: c.13+4A>G on transcript NM_001366110.1 (MANE Select); 4 bases into the intron after coding-DNA position 13, A replaced by G.
Molecular consequence: intron variant.
Genome position (GRCh38, 1-based): chr7:127,615,912, T>C on the plus strand (A>G on the coding strand, the complement: PAX4 is on the minus strand). VCF-style: chr7-127615912-T-C. GRCh37 (hg19) VCF-style: chr7-127255966-T-C.
Other names: c.13+4A>G (NM_001366111.1).
Identifiers: ClinVar variation 4992892 (VCV004992892.1).

ClinVar aggregate classification (germline): Uncertain significance (1 of 4 stars; one submission).

Conditions:
PAX4-related disorder. Also called: PAX4-related condition.

Submission:

PreventionGenetics, part of Exact Sciences
Classification: Uncertain significance for PAX4-related condition. Last evaluated: 2026-08-10. Review status: criteria provided, single submitter. Criteria: ACMG Guidelines, 2015. Collection method: clinical testing. Allele origin: germline.
Comment: The PAX4 c.13+4A>G variant is predicted to interfere with splicing. To our knowledge, this variant has not been reported in the literature or in a large population database (gnomAD), indicating this variant is rare. At this time, the clinical significance of this variant is uncertain due to the absence of conclusive functional and genetic evidence.